The following is an entry in ClinVar:

ClinVar aggregate classification (germline): Uncertain significance (1 of 4 stars; one submission).

Conditions:
Familial adenomatous polyposis 1 (FAP1). Also called: FAMILIAL ADENOMATOUS POLYPOSIS 1, ATTENUATED; POLYPOSIS, ADENOMATOUS INTESTINAL. Identifiers: MedGen C2713442, MONDO:0021056, OMIM 175100. Disease mechanism: loss of function.

Allele frequency attached by ClinVar (database versions not stated): TOPMed 0.00001.

Submission:

Labcorp Genetics (formerly Invitae), Labcorp
Classification: Uncertain significance for Familial adenomatous polyposis 1. Last evaluated: 2024-04-23. Review status: criteria provided, single submitter. Criteria: Invitae Variant Classification Sherloc (09022015). Collection method: clinical testing. Allele origin: germline.
Comment: This variant occurs in a non-coding region of the APC gene. It does not change the encoded amino acid sequence of the APC protein. This variant is not present in population databases (gnomAD no frequency). This variant has not been reported in the literature in individuals affected with APC-related conditions. ClinVar contains an entry for this variant (Variation ID: 665946). Experimental studies and prediction algorithms are not available or were not evaluated, and the functional significance of this variant is currently unknown. In summary, the available evidence is currently insufficient to determine the role of this variant in disease. Therefore, it has been classified as a Variant of Uncertain Significance.

NC_000005.10:g.112707413A>G

Gene: APC (APC regulator of Wnt signaling pathway; plus strand). Cytogenetic location: 5q22.2.
Variant type: single nucleotide variant.
Genome position: GRCh38 VCF-style: chr5-112707413-A-G. GRCh37 (hg19) VCF-style: chr5-112043110-A-G.
Identifiers: ClinVar variation 665946 (VCV000665946.11), dbSNP rs1345543059, ClinGen allele CA802056892.
Genomic context (GRCh38, chr5:112,707,413, plus strand): 5'-AGACTCGGCTGCCTAGGCAGCAATGGCTCACGGGACAGAACAGCGAAGCAGTGCCCGGCA[A>G]GCGGAGCGCAGCACCCATTGCGCCTGCGCATAACAGGCTCTAGTCTCCGGGCTGTGGGAA-3'